The following is an entry in ClinVar:

ClinVar aggregate classification (germline): Likely benign. Review status: criteria provided, multiple submitters, no conflicts (2 of 4 stars). 3 submissions from 3 submitters: Likely benign (3). Last evaluated 2025-05-16.

Conditions:
Inborn genetic diseases. Identifiers: MedGen C0950123, MeSH D030342.
SAMD9-related disorder. Also called: SAMD9-related condition.

Submissions (3):

Ambry Genetics
Classification: Likely benign for Inborn genetic diseases. Last evaluated: 2025-05-16. Review status: criteria provided, single submitter. Criteria: Ambry Variant Classification Scheme 2023. Collection method: clinical testing. Allele origin: germline.

PreventionGenetics, part of Exact Sciences
Classification: Likely benign for SAMD9-related condition. Last evaluated: 2024-12-27. Review status: criteria provided, single submitter. Criteria: ACMG Guidelines, 2015. Collection method: clinical testing. Allele origin: germline.
Comment: This variant is classified as likely benign based on ACMG/AMP sequence variant interpretation guidelines (Richards et al. 2015 PMID: 25741868, with internal and published modifications).

Labcorp Genetics (formerly Invitae), Labcorp
Classification: Likely benign. Last evaluated: 2024-05-19. Review status: criteria provided, single submitter. Criteria: Invitae Variant Classification Sherloc (09022015). Collection method: clinical testing. Allele origin: germline.

NM_017654.4(SAMD9):c.475C>T (p.Leu159=)

Gene: SAMD9 (sterile alpha motif domain containing 9; minus strand). Cytogenetic location: 7q21.2.
Variant type: single nucleotide variant.
Coding change: c.475C>T on transcript NM_017654.4 (MANE Select); coding-DNA position 475, C replaced by T.
Protein change: p.Leu159=; no amino-acid change (leucine 159 retained).
Molecular consequence: synonymous variant.
Genome position (GRCh38, 1-based): chr7:93,105,623, G>A on the plus strand (C>T on the coding strand, the complement: SAMD9 is on the minus strand). VCF-style: chr7-93105623-G-A. GRCh37 (hg19) VCF-style: chr7-92734936-G-A.
Other names: c.475C>T (NM_017654.3); c.475C>T, p.Leu159= (NM_001193307.2).
Identifiers: ClinVar variation 3713141 (VCV003713141.4).